The following is an entry in ClinVar:

ClinVar aggregate classification (germline): Uncertain significance (1 of 4 stars; one submission).

Allele frequency attached by ClinVar (database versions not stated): gnomAD exomes 0.00001.
gnomAD v4.1: 4 of 1,598,220 alleles (0.00025%); highest among the groups gnomAD compares: Non-Finnish European, 0.00034%; no homozygotes.

Submission:

Labcorp Genetics (formerly Invitae), Labcorp
Classification: Uncertain significance. Last evaluated: 2024-05-20. Review status: criteria provided, single submitter. Criteria: Invitae Variant Classification Sherloc (09022015). Collection method: clinical testing. Allele origin: germline.
Comment: This sequence change replaces glutamic acid, which is acidic and polar, with aspartic acid, which is acidic and polar, at codon 64 of the CNGB3 protein (p.Glu64Asp). This variant is present in population databases (no rsID available, gnomAD 0.002%). This variant has not been reported in the literature in individuals affected with CNGB3-related conditions. ClinVar contains an entry for this variant (Variation ID: 1487882). Advanced modeling of protein sequence and biophysical properties (such as structural, functional, and spatial information, amino acid conservation, physicochemical variation, residue mobility, and thermodynamic stability) performed at Invitae indicates that this missense variant is not expected to disrupt CNGB3 protein function with a negative predictive value of 95%. In summary, the available evidence is currently insufficient to determine the role of this variant in disease. Therefore, it has been classified as a Variant of Uncertain Significance.

NM_019098.5(CNGB3):c.192G>T (p.Glu64Asp)

Gene: CNGB3 (cyclic nucleotide gated channel subunit beta 3; minus strand). Cytogenetic location: 8q21.3.
Variant type: single nucleotide variant.
Coding change: c.192G>T on transcript NM_019098.5 (MANE Select); coding-DNA position 192, G replaced by T.
Protein change: p.Glu64Asp; replaces glutamic acid 64 with aspartic acid.
Molecular consequence: missense variant.
Genome position (GRCh38, 1-based): chr8:86,739,674, C>A on the plus strand (G>T on the coding strand, the complement: CNGB3 is on the minus strand). VCF-style: chr8-86739674-C-A. GRCh37 (hg19) VCF-style: chr8-87751902-C-A.
Other names: short protein forms E64D.
Identifiers: ClinVar variation 1487882 (VCV001487882.5), dbSNP rs892102896, ClinGen allele CA180875629.